The following is an entry in ClinVar:

NM_003072.5(SMARCA4):c.350C>G (p.Ser117Cys)

Gene: SMARCA4 (SWI/SNF related BAF chromatin remodeling complex subunit ATPase 4; plus strand). Cytogenetic location: 19p13.2.
Variant type: single nucleotide variant.
Coding change: c.350C>G on transcript NM_003072.5 (MANE Select); coding-DNA position 350, C replaced by G.
Protein change: p.Ser117Cys; replaces serine 117 with cysteine.
Molecular consequence: missense variant. On other transcripts: non-coding transcript variant (1).
Genome position (GRCh38, 1-based): chr19:10,985,400, C>G. VCF-style: chr19-10985400-C-G. GRCh37 (hg19) VCF-style: chr19-11096076-C-G.
Other names: c.350C>G, p.Ser117Cys (NM_001128844.3, NM_001128845.2, NM_001128846.2 and 5 more transcripts); short protein forms S117C.
Identifiers: ClinVar variation 470355 (VCV000470355.16), dbSNP rs759594383, ClinGen allele CA404055404.

ClinVar aggregate classification (germline): Uncertain significance. Review status: criteria provided, multiple submitters, no conflicts (2 of 4 stars). 3 submissions from 3 submitters: Uncertain significance (3). Last evaluated 2025-08-25.

Conditions:
Intellectual disability, autosomal dominant 16 (CSS4). Also called: COFFIN-SIRIS SYNDROME 4. Identifiers: Orphanet 1465, MedGen C3553249, MONDO:0013821, OMIM 614609.
Rhabdoid tumor predisposition syndrome 2 (RTPS2). Identifiers: Orphanet 231108, Orphanet 69077, MedGen C2750074, MONDO:0013224, OMIM 613325.
Hereditary cancer-predisposing syndrome. Also called: Hereditary neoplastic syndrome; Neoplastic Syndromes, Hereditary; Tumor predisposition; Hereditary Cancer Syndrome. Identifiers: Orphanet 140162, MedGen C0027672, MeSH D009386, MONDO:0015356.

Submissions (3):

Ambry Genetics
Classification: Uncertain significance for Hereditary cancer-predisposing syndrome. Last evaluated: 2025-08-25. Review status: criteria provided, single submitter. Criteria: Ambry Variant Classification Scheme 2023. Collection method: clinical testing. Allele origin: germline.
Comment: The p.S117C variant (also known as c.350C>G), located in coding exon 2 of the SMARCA4 gene, results from a C to G substitution at nucleotide position 350. The serine at codon 117 is replaced by cysteine, an amino acid with dissimilar properties. This variant was detected as heterozygous in individual(s) with no reported features of Coffin-Siris syndrome (Ambry internal data). This amino acid position is highly conserved in available vertebrate species. In addition, the in silico prediction for this alteration is inconclusive. Based on the supporting evidence, the association of this alteration with rhabdoid tumor predisposition syndrome is unknown; however, the association of this alteration with Coffin-Siris syndrome is unlikely.

Labcorp Genetics (formerly Invitae), Labcorp
Classification: Uncertain significance for Rhabdoid tumor predisposition syndrome 2. Last evaluated: 2023-03-07. Review status: criteria provided, single submitter. Criteria: Invitae Variant Classification Sherloc (09022015). Collection method: clinical testing. Allele origin: germline.
Comment: This variant is not present in population databases (gnomAD no frequency). This variant has not been reported in the literature in individuals affected with SMARCA4-related conditions. ClinVar contains an entry for this variant (Variation ID: 470355). Advanced modeling of protein sequence and biophysical properties (such as structural, functional, and spatial information, amino acid conservation, physicochemical variation, residue mobility, and thermodynamic stability) has been performed at Invitae for this missense variant, however the output from this modeling did not meet the statistical confidence thresholds required to predict the impact of this variant on SMARCA4 protein function. In summary, the available evidence is currently insufficient to determine the role of this variant in disease. Therefore, it has been classified as a Variant of Uncertain Significance. This sequence change replaces serine, which is neutral and polar, with cysteine, which is neutral and slightly polar, at codon 117 of the SMARCA4 protein (p.Ser117Cys).

Genome-Nilou Lab
Classification: Uncertain significance for Intellectual disability, autosomal dominant 16. Last evaluated: 2021-07-15. Review status: criteria provided, single submitter. Criteria: ACMG Guidelines, 2015. Collection method: clinical testing. Allele origin: germline. Affected: no.